The following is an entry in ClinVar:

ClinVar aggregate classification (germline): Pathogenic (3 of 4 stars; one submission).

Conditions:
Breast-ovarian cancer, familial, susceptibility to, 1 (BROVCA1). Also called: BRCA1 Hereditary Breast and Ovarian Cancer; OVARIAN CANCER, SUSCEPTIBILITY TO. Identifiers: Orphanet 145, MedGen C2676676, MONDO:0011450, OMIM 604370. Disease mechanism: loss of function.

Submission:

Evidence-based Network for the Interpretation of Germline Mutant Alleles (ENIGMA)
Classification: Pathogenic for Breast-ovarian cancer, familial, susceptibility to, 1. Last evaluated: 2017-12-15. Review status: reviewed by expert panel. Criteria: ENIGMA BRCA1/2 Classification Criteria (2017-06-29). Collection method: curation. Allele origin: germline. Study: ENIGMA.
Comment: Variant allele predicted to encode a truncated non-functional protein.

NM_007294.4(BRCA1):c.1017_1018insC (p.Val340fs)

Gene: BRCA1 (BRCA1 DNA repair associated; minus strand). Cytogenetic location: 17q21.31.
Variant type: Insertion.
Coding change: c.1017_1018insC on transcript NM_007294.4 (MANE Select); coding-DNA positions 1017 to 1018, C inserted.
Protein change: p.Val340fs; shifts the reading frame from valine 340.
Molecular consequence: frameshift variant. On other transcripts: intron variant (137).
Genome position: GRCh38 VCF-style: chr17-43094513-C-CG. GRCh37 (hg19) VCF-style: chr17-41246530-C-CG.
Other names: c.1017_1018insC, p.Val340fs (NM_001407859.1, NM_001407616.1, NM_001407617.1 and 30 more transcripts); c.1014_1015insC, p.Val339fs (NM_001407860.1, NM_001407861.1, NM_001407611.1 and 22 more transcripts); c.816_817insC, p.Val273fs (NM_001407862.1); c.894_895insC, p.Val299fs (NM_001407863.1, NM_001407648.1, NM_001407668.1 and 19 more transcripts); c.813_814insC, p.Val272fs (NM_001407874.1, NM_001407875.1); c.807_808insC, p.Val270fs (NM_001407889.1, NM_001407900.1, NM_001407902.1 and 13 more transcripts); c.804_805insC, p.Val269fs (NM_001407894.1, NM_001407895.1, NM_001407896.1 and 9 more transcripts); c.891_892insC, p.Val298fs (NM_001407649.1, NM_001407670.1, NM_001407671.1 and 11 more transcripts); and 40 more; short protein forms V293fs, V340fs, V292fs, V298fs, V313fs, V229fs, V251fs, V272fs.
Identifiers: ClinVar variation 548176 (VCV000548176.2), dbSNP rs886039921, ClinGen allele CA658824544.
Genomic context (GRCh38, chr17:43,094,513, plus strand): 5'-ATGGCAGTTTCTGCTTATTCCATTCTTTTCTCTCACACAGGGGATCAGCATTCAGATCTA[C>CG]CTTTTTTTCTGTGCTGGGAGTCCGCCTATCATTACATGTTTCCTTACTTCCAGCCCATCT-3'